The following is an entry in ClinVar:

ClinVar aggregate classification (germline): Uncertain significance. Review status: criteria provided, multiple submitters, no conflicts (2 of 4 stars). 2 submissions from 2 submitters: Uncertain significance (2). Last evaluated 2024-11-11.

Conditions:
Inborn genetic diseases. Identifiers: MedGen C0950123, MeSH D030342.
Brody myopathy. Also called: BRODY DISEASE. Identifiers: Orphanet 53347, MedGen C1832918, MONDO:0010977, OMIM 601003.

Submissions (2):

Labcorp Genetics (formerly Invitae), Labcorp
Classification: Uncertain significance for Brody myopathy. Last evaluated: 2024-11-11. Review status: criteria provided, single submitter. Criteria: Invitae Variant Classification Sherloc (09022015). Collection method: clinical testing. Allele origin: germline.
Comment: This sequence change replaces glutamic acid, which is acidic and polar, with valine, which is neutral and non-polar, at codon 486 of the ATP2A1 protein (p.Glu486Val). This variant is not present in population databases (gnomAD no frequency). This variant has not been reported in the literature in individuals affected with ATP2A1-related conditions. ClinVar contains an entry for this variant (Variation ID: 850819). An algorithm developed to predict the effect of missense changes on protein structure and function (PolyPhen-2) suggests that this variant is likely to be disruptive. In summary, the available evidence is currently insufficient to determine the role of this variant in disease. Therefore, it has been classified as a Variant of Uncertain Significance.

Ambry Genetics
Classification: Uncertain significance for Inborn genetic diseases. Last evaluated: 2024-07-16. Review status: criteria provided, single submitter. Criteria: Ambry Variant Classification Scheme 2023. Collection method: clinical testing. Allele origin: germline.

NM_004320.6(ATP2A1):c.1457A>T (p.Glu486Val)

Gene: ATP2A1 (ATPase sarcoplasmic/endoplasmic reticulum Ca2+ transporting 1; plus strand). Cytogenetic location: 16p11.2.
Variant type: single nucleotide variant.
Coding change: c.1457A>T on transcript NM_004320.6 (MANE Select); coding-DNA position 1457, A replaced by T.
Protein change: p.Glu486Val; replaces glutamic acid 486 with valine.
Molecular consequence: missense variant.
Genome position (GRCh38, 1-based): chr16:28,898,037, A>T. VCF-style: chr16-28898037-A-T. GRCh37 (hg19) VCF-style: chr16-28909358-A-T.
Other names: c.1082A>T, p.Glu361Val (NM_001286075.2); c.1457A>T, p.Glu486Val (NM_173201.5); short protein forms E361V, E486V.
Identifiers: ClinVar variation 850819 (VCV000850819.11), dbSNP rs1454654160, ClinGen allele CA395409371.